The following is an entry in ClinVar:

ClinVar aggregate classification (germline): Uncertain significance. Review status: criteria provided, multiple submitters, no conflicts (2 of 4 stars). 2 submissions from 2 submitters: Uncertain significance (2). Last evaluated 2025-08-08.

Conditions:
Inborn genetic diseases. Identifiers: MedGen C0950123, MeSH D030342.

Allele frequency attached by ClinVar (database versions not stated): ExAC 0.00016; gnomAD 0.00038; TOPMed 0.00039; ESP Exome Variant Server 0.00069; 1000 Genomes Project 30x 0.00109; 1000 Genomes Project 0.00120.

Submissions (2):

Ambry Genetics
Classification: Uncertain significance for Inborn genetic diseases. Last evaluated: 2025-08-08. Review status: criteria provided, single submitter. Criteria: Ambry Variant Classification Scheme 2023. Collection method: clinical testing. Allele origin: germline.

GeneDx
Classification: Uncertain significance. Last evaluated: 2023-10-03. Review status: criteria provided, single submitter. Criteria: GeneDx Variant Classification Process June 2021. Collection method: clinical testing. Allele origin: germline. Affected: yes.
Comment: In silico analysis supports that this missense variant does not alter protein structure/function; Has not been previously published as pathogenic or benign to our knowledge

NM_002340.6(LSS):c.645G>A (p.Met215Ile)

Gene: LSS (lanosterol synthase; minus strand). Cytogenetic location: 21q22.3.
Variant type: single nucleotide variant.
Coding change: c.645G>A on transcript NM_002340.6 (MANE Select); coding-DNA position 645, G replaced by A.
Protein change: p.Met215Ile; replaces methionine 215 with isoleucine.
Molecular consequence: missense variant.
Genome position (GRCh38, 1-based): chr21:46,219,478, C>T on the plus strand (G>A on the coding strand, the complement: LSS is on the minus strand). VCF-style: chr21-46219478-C-T. GRCh37 (hg19) VCF-style: chr21-47639392-C-T.
Other names: c.645G>A, p.Met215Ile (NM_001001438.3); c.612G>A, p.Met204Ile (NM_001145436.2); c.405G>A, p.Met135Ile (NM_001145437.2); c.645G>A (NM_002340.5); short protein forms M135I, M204I, M215I.
Identifiers: ClinVar variation 3252193 (VCV003252193.2), dbSNP rs111335500.